The following is an entry in ClinVar:

ClinVar aggregate classification (germline): Conflicting classifications of pathogenicity. Review status: criteria provided, conflicting classifications (1 of 4 stars). 3 submissions from 3 submitters: Uncertain significance (1); Likely benign (2). Last evaluated 2026-09-01.

Conditions:
Myopathy, centronuclear, 2 (CNM2). Also called: MYOTUBULAR MYOPATHY, AUTOSOMAL RECESSIVE. Identifiers: Orphanet 169186, MedGen CN031787, MONDO:0009709, OMIM 255200.

Allele frequency attached by ClinVar (database versions not stated): ExAC below 0.00001; gnomAD 0.00010; gnomAD exomes 0.00010; TOPMed 0.00011; ESP Exome Variant Server 0.00032.
gnomAD v4.1: 103 of 1,543,466 alleles (0.0067%); highest among the groups gnomAD compares: Admixed American, 0.032%; no homozygotes.

Submissions (3):

CeGaT Center for Human Genetics Tuebingen
Classification: Likely benign. Last evaluated: 2026-09-01. Review status: criteria provided, single submitter. Criteria: CeGaT Center For Human Genetics Tuebingen Variant Classification Criteria Version 2. Collection method: clinical testing. Allele origin: germline. Affected: yes. Observed: 1 variant allele.
Comment: BIN1: BP4, BP7

Labcorp Genetics (formerly Invitae), Labcorp
Classification: Likely benign for Myopathy, centronuclear, 2. Last evaluated: 2025-07-30. Review status: criteria provided, single submitter. Criteria: Invitae Variant Classification Sherloc (09022015). Collection method: clinical testing. Allele origin: germline.

Illumina Laboratory Services, Illumina
Classification: Uncertain significance for Myopathy, centronuclear, 2. Last evaluated: 2018-01-13. Review status: criteria provided, single submitter. Criteria: ICSL Variant Classification Criteria 13 December 2019. Collection method: clinical testing. Allele origin: germline.

NM_139343.3(BIN1):c.1047G>A (p.Pro349=)

Gene: BIN1 (bridging integrator 1; minus strand). Cytogenetic location: 2q14.3.
Variant type: single nucleotide variant.
Coding change: c.1047G>A on transcript NM_139343.3 (MANE Select); coding-DNA position 1047, G replaced by A.
Protein change: p.Pro349=; no amino-acid change (proline 349 retained).
Molecular consequence: synonymous variant. On other transcripts: intron variant (9).
Genome position (GRCh38, 1-based): chr2:127,057,557, C>T on the plus strand (G>A on the coding strand, the complement: BIN1 is on the minus strand). VCF-style: chr2-127057557-C-T. GRCh37 (hg19) VCF-style: chr2-127815133-C-T.
Other names: c.1047G>A, p.Pro349= (NM_001320640.2); c.954G>A, p.Pro318= (NM_001320641.2, NM_139347.3, NM_139348.3); c.966G>A, p.Pro322= (NM_001320642.1); c.999G>A, p.Pro333= (NM_139346.3); c.837+1454G>A (NM_001320634.1); c.909+1454G>A (NM_139351.3, NM_139350.3, NM_139349.3); c.954+1454G>A (NM_001320632.2, NM_004305.4); c.1002+1454G>A (NM_001320633.2, NM_139345.3, NM_139344.3).
Identifiers: ClinVar variation 331051 (VCV000331051.17), dbSNP rs148945502, ClinGen allele CA1857193.
Genomic context (GRCh38, chr2:127,057,557, plus strand): 5'-CTCAGGGACAAACGTGTCCTCAAACAGGCTGAGGATCTGCTCCTGCTTGACTTCCTTGGA[C>T]GGGGTGTGTTTGGGAGGCGGAGGGACTGGTGGGCCTTTCCGGAGCTGTGGGTCGGCGGCG-3'
Protein context (NP_647593.1, residues 339-359): PPVPPPPKHT[Pro349=]SKEVKQEQIL